The following is an entry in ClinVar:

ClinVar aggregate classification (germline): Benign. Review status: criteria provided, single submitter (1 of 4 stars). 2 submissions from 1 submitter: Benign (2). Last evaluated 2018-01-13.

Conditions:
Muscular dystrophy-dystroglycanopathy (congenital with brain and eye anomalies), type A6. Also called: MUSCULAR DYSTROPHY-DYSTROGLYCANOPATHY (CONGENITAL WITH BRAIN AND EYE ANOMALIES), TYPE A, 6; WALKER-WARBURG SYNDROME OR MUSCLE-EYE-BRAIN DISEASE, LARGE-RELATED. Identifiers: Orphanet 588, Orphanet 899, MedGen C3150414, MONDO:0013158, OMIM 613154.
Muscular dystrophy-dystroglycanopathy type B6 (MDDGB6). Also called: MUSCULAR DYSTROPHY, CONGENITAL, LARGE-RELATED; MUSCULAR DYSTROPHY, CONGENITAL, TYPE 1D; MUSCULAR DYSTROPHY-DYSTROGLYCANOPATHY (CONGENITAL WITH IMPAIRED INTELLECTUAL DEVELOPMENT), TYPE B, 6. Identifiers: MedGen C1837229, MONDO:0012138, OMIM 608840.

Allele frequency attached by ClinVar (database versions not stated): gnomAD exomes 0.00641; gnomAD 0.02207 and 0.02223; TOPMed 0.02489; 1000 Genomes Project 0.03714; 1000 Genomes Project 30x 0.03716.
gnomAD v4.1: 5,123 of 398,644 alleles (1.3%); highest among the groups gnomAD compares: African/African-American, 6.2%; 144 homozygotes.

Submissions (2):

Illumina Laboratory Services, Illumina
Classification: Benign for Muscular dystrophy-dystroglycanopathy type B6. Last evaluated: 2018-01-13. Review status: criteria provided, single submitter. Criteria: ICSL Variant Classification Criteria 13 December 2019. Collection method: clinical testing. Allele origin: germline.
Comment: This variant was observed in the ICSL laboratory as part of a predisposition screen in an ostensibly healthy population. It had not been previously curated by ICSL or reported in the Human Gene Mutation Database (HGMD: prior to June 1st, 2018), and was therefore a candidate for classification through an automated scoring system. Utilizing variant allele frequency, disease prevalence and penetrance estimates, and inheritance mode, an automated score was calculated to assess if this variant is too frequent to cause the disease. Based on the score and internal cut-off values, a variant classified as benign is not then subjected to further curation. The score for this variant resulted in a classification of benign for this disease.

Illumina Laboratory Services, Illumina
Classification: Benign for Muscular dystrophy-dystroglycanopathy (congenital with brain and eye anomalies), type A6. Last evaluated: 2018-01-13. Review status: criteria provided, single submitter. Criteria: ICSL Variant Classification Criteria 13 December 2019. Collection method: clinical testing. Allele origin: germline.
Comment: the same text as in the submission from Illumina Laboratory Services, Illumina above.

NM_133642.5(LARGE1):c.*740A>G

Gene: LARGE1 (LARGE xylosyl- and glucuronyltransferase 1; minus strand). Cytogenetic location: 22q12.3.
Variant type: single nucleotide variant.
Coding change: c.*740A>G on transcript NM_133642.5 (MANE Select); 740 bases downstream of the stop codon, A replaced by G.
Molecular consequence: 3 prime UTR variant.
Genome position (GRCh38, 1-based): chr22:33,273,687, T>C on the plus strand (A>G on the coding strand, the complement: LARGE1 is on the minus strand). VCF-style: chr22-33273687-T-C. GRCh37 (hg19) VCF-style: chr22-33669673-T-C.
Other names: c.*740A>G (NM_001362949.2, NM_001362951.2, NM_001362953.2 and 9 more transcripts).
Identifiers: ClinVar variation 341422 (VCV000341422.5), dbSNP rs116335813, ClinGen allele CA10651209.